The following is an entry in ClinVar:

NM_002299.4(LCT):c.4950C>A (p.Ser1650Arg)

Gene: LCT (lactase; minus strand). Cytogenetic location: 2q21.3.
Variant type: single nucleotide variant.
Coding change: c.4950C>A on transcript NM_002299.4 (MANE Select); coding-DNA position 4950, C replaced by A.
Protein change: p.Ser1650Arg; replaces serine 1650 with arginine.
Molecular consequence: missense variant.
Genome position (GRCh38, 1-based): chr2:135,798,055, G>T on the plus strand (C>A on the coding strand, the complement: LCT is on the minus strand). VCF-style: chr2-135798055-G-T. GRCh37 (hg19) VCF-style: chr2-136555625-G-T.
Other names: short protein forms S1650R.
Identifiers: ClinVar variation 982557 (VCV000982557.2), dbSNP rs1312031160, ClinGen allele CA348590872.
Genomic context (GRCh38, chr2:135,798,055, plus strand): 5'-CATGCCCTCACCACTGCGGGCACCAGGCCCTTACCGAGACTTGTTGAGGCCTGCAGCCAA[G>T]CTCCTGTCACGGATCCGCGTCTTCATCACCTCATTGTAATCTCCATTCTTGAAAATAGGA-3'
Protein context (NP_002290.2, residues 1640-1660): EVMKTRIRDR[Ser1650Arg]LAAGLNKSRL

ClinVar aggregate classification (germline): Likely pathogenic (1 of 4 stars; one submission).

Conditions:
Congenital lactase deficiency. Also called: ALACTASIA, CONGENITAL; DISACCHARIDE INTOLERANCE II. Identifiers: Orphanet 53690, MedGen C0268179, MONDO:0009115, OMIM 223000.

Submission:

Equipe Genetique des Anomalies du Developpement, Université de Bourgogne
Classification: Likely pathogenic for Congenital lactase deficiency. Last evaluated: 2020-09-14. Review status: criteria provided, single submitter. Criteria: ACMG Guidelines, 2015. Collection method: clinical testing. Allele origin: maternal. Inheritance: Autosomal recessive inheritance. Affected: yes.
Comment: This variant was observed in compound heterozygosity with variant LRG_338t1:c.4363C>T

Literature cited by the submitters: PubMed 30813293.